The following is an entry in ClinVar:

ClinVar aggregate classification (germline): Uncertain significance (1 of 4 stars; one submission).

gnomAD v4.1: 2 of 1,613,912 alleles (0.00012%); highest among the groups gnomAD compares: Non-Finnish European, 0.000085%; no homozygotes.

Submission:

Labcorp Genetics (formerly Invitae), Labcorp
Classification: Uncertain significance. Last evaluated: 2025-06-29. Review status: criteria provided, single submitter. Criteria: Invitae Variant Classification Sherloc (09022015). Collection method: clinical testing. Allele origin: germline.
Comment: This sequence change replaces leucine, which is neutral and non-polar, with phenylalanine, which is neutral and non-polar, at codon 239 of the CACNA1D protein (p.Leu239Phe). This variant is present in population databases (rs371524225, gnomAD 0.0009%). This variant has not been reported in the literature in individuals affected with CACNA1D-related conditions. ClinVar contains an entry for this variant (Variation ID: 3620912). Invitae Evidence Modeling of protein sequence and biophysical properties (such as structural, functional, and spatial information, amino acid conservation, physicochemical variation, residue mobility, and thermodynamic stability) has been performed for this missense variant. However, the output from this modeling did not meet the statistical confidence thresholds required to predict the impact of this variant on CACNA1D protein function. In summary, the available evidence is currently insufficient to determine the role of this variant in disease. Therefore, it has been classified as a Variant of Uncertain Significance.

NM_001128840.3(CACNA1D):c.715C>T (p.Leu239Phe)

Gene: CACNA1D (calcium voltage-gated channel subunit alpha1 D; plus strand). Cytogenetic location: 3p21.1.
Variant type: single nucleotide variant.
Coding change: c.715C>T on transcript NM_001128840.3 (MANE Select); coding-DNA position 715, C replaced by T.
Protein change: p.Leu239Phe; replaces leucine 239 with phenylalanine.
Molecular consequence: missense variant.
Genome position (GRCh38, 1-based): chr3:53,660,224, C>T. VCF-style: chr3-53660224-C-T. GRCh37 (hg19) VCF-style: chr3-53694251-C-T.
Other names: c.715C>T, p.Leu239Phe (NM_000720.4, NM_001128839.3); short protein forms L239F.
Identifiers: ClinVar variation 3620912 (VCV003620912.2).